The following is an entry in ClinVar:

NM_000393.5(COL5A2):c.3832C>A (p.Gln1278Lys)

Gene: COL5A2 (collagen type V alpha 2 chain; minus strand). Cytogenetic location: 2q32.2.
Variant type: single nucleotide variant.
Coding change: c.3832C>A on transcript NM_000393.5 (MANE Select); coding-DNA position 3832, C replaced by A.
Protein change: p.Gln1278Lys; replaces glutamine 1278 with lysine.
Molecular consequence: missense variant.
Genome position (GRCh38, 1-based): chr2:189,039,365, G>T on the plus strand (C>A on the coding strand, the complement: COL5A2 is on the minus strand). VCF-style: chr2-189039365-G-T. GRCh37 (hg19) VCF-style: chr2-189904091-G-T.
Other names: short protein forms Q1278K.
Identifiers: ClinVar variation 1513908 (VCV001513908.9), dbSNP rs147767226, ClinGen allele CA2021911.

ClinVar aggregate classification (germline): Uncertain significance. Review status: criteria provided, multiple submitters, no conflicts (2 of 4 stars). 2 submissions from 2 submitters: Uncertain significance (2). Last evaluated 2026-03-01.

Conditions:
Ehlers-Danlos syndrome, classic type, 1 (EDSCL1). Also called: Ehlers-Danlos syndrome, type 1; EHLERS-DANLOS SYNDROME, GRAVIS TYPE; EHLERS-DANLOS SYNDROME, SEVERE CLASSIC TYPE; Ehlers-Danlos Syndrome, Classic Type, COL5A1-Related; EDS I. Identifiers: MedGen C0268335, MONDO:0019567, OMIM 130000.

Allele frequency attached by ClinVar (database versions not stated): ExAC 0.00001; gnomAD 0.00001; gnomAD exomes 0.00001 and 0.00002; TOPMed 0.00001; ESP Exome Variant Server 0.00008.
gnomAD v4.1: 6 of 1,613,956 alleles (0.00037%); highest among the groups gnomAD compares: Admixed American, 0.0083%; no homozygotes.

Submissions (2):

CeGaT Center for Human Genetics Tuebingen
Classification: Uncertain significance. Last evaluated: 2026-03-01. Review status: criteria provided, single submitter. Criteria: CeGaT Center For Human Genetics Tuebingen Variant Classification Criteria Version 2. Collection method: clinical testing. Allele origin: germline. Affected: yes. Observed: 1 variant allele.
Comment: COL5A2: PP2

Labcorp Genetics (formerly Invitae), Labcorp
Classification: Uncertain significance for Ehlers-Danlos syndrome, classic type, 1. Last evaluated: 2023-06-13. Review status: criteria provided, single submitter. Criteria: Invitae Variant Classification Sherloc (09022015). Collection method: clinical testing. Allele origin: germline.
Comment: Advanced modeling of protein sequence and biophysical properties (such as structural, functional, and spatial information, amino acid conservation, physicochemical variation, residue mobility, and thermodynamic stability) performed at Invitae indicates that this missense variant is not expected to disrupt COL5A2 protein function. In summary, the available evidence is currently insufficient to determine the role of this variant in disease. Therefore, it has been classified as a Variant of Uncertain Significance. ClinVar contains an entry for this variant (Variation ID: 1513908). This variant has not been reported in the literature in individuals affected with COL5A2-related conditions. This variant is present in population databases (rs147767226, gnomAD 0.01%). This sequence change replaces glutamine, which is neutral and polar, with lysine, which is basic and polar, at codon 1278 of the COL5A2 protein (p.Gln1278Lys).